The following is an entry in ClinVar:

NM_031885.5(BBS2):c.535-27_535-3del

Gene: BBS2 (Bardet-Biedl syndrome 2; minus strand). Cytogenetic location: 16q13.
Variant type: Deletion.
Coding change: c.535-27_535-3del on transcript NM_031885.5 (MANE Select); 27 bases into the intron before coding-DNA position 535 through 3 bases into the intron before coding-DNA position 535, 25 bases deleted (TGAACATGTATGATATTTCCCCTTC).
Molecular consequence: intron variant.
Genome position (GRCh38, 1-based): chr16:56,510,037-56,510,061, GAAGGGGAAATATCATACATGTTCA deleted on the plus strand (TGAACATGTATGATATTTCCCCTTC on the coding strand, the reverse complement: BBS2 is on the minus strand); deleting any 25 consecutive bases within chr16:56,510,037-56,510,062 gives the same sequence; the c. name uses the placement nearest the transcript's 3' end. VCF-style (leftmost placement, unchanged base first): chr16-56510036-TGAAGGGGAAATATCATACATGTTCA-T. GRCh37 (hg19) VCF-style: chr16-56543948-TGAAGGGGAAATATCATACATGTTCA-T.
Other names: c.535-27_535-3del (NM_001377456.1, NM_031885.3).
Identifiers: ClinVar variation 1438618 (VCV001438618.7), dbSNP rs751101598, ClinGen allele CA8066000.
Genomic context (GRCh38, chr16:56,510,036, plus strand): 5'-GCCACAATCTCATCTTCCTTAAAAACTCGGATATCAAAATCCTCAGATCCAACAAGAAGC[TGAAGGGGAAATATCATACATGTTCA>T]GGTGAGTAAGTGCAAACAACAAAATTTCTGTAAACAAAACAAAAAATTGCACAGTACTTT-3'

ClinVar aggregate classification (germline): Uncertain significance. Review status: criteria provided, single submitter (1 of 4 stars). 2 submissions from 2 submitters: Uncertain significance (1). 1 of the submissions does not count toward it. Last evaluated 2022-06-28.

Conditions:
Bardet-Biedl syndrome (BBS). Identifiers: Orphanet 110, MedGen C0752166, MONDO:0015229.
Bardet-Biedl syndrome 2 (BBS2). Identifiers: Orphanet 110, MedGen C2936863, MONDO:0014432, OMIM 615981.

Submissions (2):

Labcorp Genetics (formerly Invitae), Labcorp
Classification: Uncertain significance for Bardet-Biedl syndrome. Last evaluated: 2022-06-28. Review status: criteria provided, single submitter. Criteria: Invitae Variant Classification Sherloc (09022015). Collection method: clinical testing. Allele origin: germline.
Comment: In summary, the available evidence is currently insufficient to determine the role of this variant in disease. Therefore, it has been classified as a Variant of Uncertain Significance. Algorithms developed to predict the effect of sequence changes on RNA splicing suggest that this variant may disrupt the consensus splice site. This variant has not been reported in the literature in individuals affected with BBS2-related conditions. This variant is present in population databases (rs751101598, gnomAD 0.0009%). This sequence change falls in intron 4 of the BBS2 gene. It does not directly change the encoded amino acid sequence of the BBS2 protein.

Natera, Inc.
Classification: Uncertain significance for Bardet-Biedl syndrome type 2. Last evaluated: 2025-01-16. Review status: no assertion criteria provided. Collection method: clinical testing. Allele origin: germline. Not counted in ClinVar's aggregate classification.